The following is an entry in ClinVar:

ClinVar aggregate classification (germline): Uncertain significance. Review status: criteria provided, multiple submitters, no conflicts (2 of 4 stars). 2 submissions from 2 submitters: Uncertain significance (2). Last evaluated 2022-01-15.

Conditions:
Cardiovascular phenotype. Identifiers: MedGen CN230736.
Long QT syndrome (LQTS). Identifiers: MedGen C0023976, MeSH D008133, MONDO:0002442. Disease mechanism: loss of function. Inheritance: Various modes of inheritance.

Submissions (2):

Labcorp Genetics (formerly Invitae), Labcorp
Classification: Uncertain significance for Long QT syndrome. Last evaluated: 2022-01-15. Review status: criteria provided, single submitter. Criteria: Invitae Variant Classification Sherloc (09022015). Collection method: clinical testing. Allele origin: germline.
Comment: ClinVar contains an entry for this variant (Variation ID: 952274). Algorithms developed to predict the effect of missense changes on protein structure and function are either unavailable or do not agree on the potential impact of this missense change (SIFT: "Deleterious"; PolyPhen-2: "Possibly Damaging"; Align-GVGD: "Class C0"). Algorithms developed to predict the effect of sequence changes on RNA splicing suggest that this variant may disrupt the consensus splice site. In summary, the available evidence is currently insufficient to determine the role of this variant in disease. Therefore, it has been classified as a Variant of Uncertain Significance. This variant has not been reported in the literature in individuals affected with KCNH2-related conditions. This sequence change replaces arginine, which is basic and polar, with serine, which is neutral and polar, at codon 1051 of the KCNH2 protein (p.Arg1051Ser). This variant is not present in population databases (gnomAD no frequency).

Ambry Genetics
Classification: Uncertain significance for Cardiovascular phenotype. Last evaluated: 2021-07-01. Review status: criteria provided, single submitter. Criteria: Ambry Variant Classification Scheme 2023. Collection method: clinical testing. Allele origin: germline.
Comment: The p.R1051S variant (also known as c.3153G>T), located in coding exon 14 of the KCNH2 gene, results from a G to T substitution at nucleotide position 3153. This variant impacts the first base pair of coding exon 14. The arginine at codon 1051 is replaced by serine, an amino acid with dissimilar properties, and is located in the C-terminal domain. This amino acid position is well conserved in available vertebrate species; however, serine is the reference amino acid in other vertebrate species. In addition, this alteration is predicted to be deleterious by in silico analysis. Since supporting evidence is limited at this time, the clinical significance of this alteration remains unclear.

NM_000238.4(KCNH2):c.3153G>T (p.Arg1051Ser)

Gene: KCNH2 (potassium voltage-gated channel subfamily H member 2; minus strand). Cytogenetic location: 7q36.1.
Variant type: single nucleotide variant.
Coding change: c.3153G>T on transcript NM_000238.4 (MANE Select); coding-DNA position 3153, G replaced by T.
Protein change: p.Arg1051Ser; replaces arginine 1051 with serine.
Molecular consequence: missense variant.
Genome position (GRCh38, 1-based): chr7:150,947,054, C>A on the plus strand (G>T on the coding strand, the complement: KCNH2 is on the minus strand). VCF-style: chr7-150947054-C-A. GRCh37 (hg19) VCF-style: chr7-150644142-C-A.
Other names: c.2133G>T, p.Arg711Ser (NM_172057.3); short protein forms R1051S, R711S.
Identifiers: ClinVar variation 952274 (VCV000952274.11), dbSNP rs1800920453, ClinGen allele CA369852413.